The following is an entry in ClinVar:

ClinVar aggregate classification (germline): Likely pathogenic (1 of 4 stars; one submission).

Submission:

Labcorp Genetics (formerly Invitae), Labcorp
Classification: Likely pathogenic. Last evaluated: 2023-04-28. Review status: criteria provided, single submitter. Criteria: Invitae Variant Classification Sherloc (09022015). Collection method: clinical testing. Allele origin: unknown.
Comment: In summary, the currently available evidence indicates that the variant is pathogenic, but additional data are needed to prove that conclusively. Therefore, this variant has been classified as Likely Pathogenic. Experimental studies and prediction algorithms are not available or were not evaluated, and the functional significance of this variant is currently unknown. This variant has not been reported in the literature in individuals affected with VPS13A-related conditions. This variant results in a copy number gain of the genomic region encompassing exon(s) 36-71 of the VPS13A gene. While the exact position of this variant cannot be determined from the data, sub-genic copy number gains are generally in tandem (PMID: 25640679). This variant is predicted to be out-of-frame, and may result in an absent or disrupted protein product. Loss-of-function variants in VPS13A are known to be pathogenic (PMID: 12404112, 21598378).

Literature cited by the submitters: PubMed 25640679; PubMed 12404112; PubMed 21598378.

NC_000009.11:g.(?_79928888)_(80022543_?)dup

Gene: VPS13A (vacuolar protein sorting 13 homolog A; plus strand). Cytogenetic location: 9q21.2.
Variant type: Duplication.
Identifiers: ClinVar variation 3245382 (VCV003245382.1).